The following is an entry in ClinVar:

NM_032444.4(SLX4):c.3850G>T (p.Val1284Leu)

Gene: SLX4 (SLX4 structure-specific endonuclease subunit; minus strand). Cytogenetic location: 16p13.3.
Variant type: single nucleotide variant.
Coding change: c.3850G>T on transcript NM_032444.4 (MANE Select); coding-DNA position 3850, G replaced by T.
Protein change: p.Val1284Leu; replaces valine 1284 with leucine.
Molecular consequence: missense variant.
Genome position (GRCh38, 1-based): chr16:3,589,788, C>A on the plus strand (G>T on the coding strand, the complement: SLX4 is on the minus strand). VCF-style: chr16-3589788-C-A. GRCh37 (hg19) VCF-style: chr16-3639789-C-A.
Other names: short protein forms V1284L.
Identifiers: ClinVar variation 1448266 (VCV001448266.22), dbSNP rs373107728, ClinGen allele CA394519104.
Genomic context (GRCh38, chr16:3,589,788, plus strand): 5'-CTTCGTTCCCTTCCCTGTTTCCTACTGAGGCCCTGGGCGTGTGCTGAGTCACCGCCTGCA[C>A]GGCCAGCCCGCTCCTGAGGCTGCTGATTTGGGTCTGGGAAGAACAGTCACGGCTTCTGCT-3'
Protein context (NP_115820.2, residues 1274-1294): QISSLRSGLA[Val1284Leu]QAVTQHTPRA

ClinVar aggregate classification (germline): Uncertain significance. Review status: criteria provided, multiple submitters, no conflicts (2 of 4 stars). 3 submissions from 3 submitters: Uncertain significance (3). Last evaluated 2024-11-01.

Conditions:
Fanconi anemia complementation group P. Also called: SLX4-Related Fanconi Anemia. Identifiers: Orphanet 84, MedGen C3469542, MONDO:0013499, OMIM 613951.
Fanconi anemia (FA). Also called: Fanconi's anemia. Identifiers: Orphanet 84, MedGen C0015625, MeSH D005199, MONDO:0019391.

gnomAD v4.1: 5 of 1,613,374 alleles (0.00031%); highest among the groups gnomAD compares: African/African-American, 0.0013%; no homozygotes.

Submissions (3):

CeGaT Center for Human Genetics Tuebingen
Classification: Uncertain significance. Last evaluated: 2024-11-01. Review status: criteria provided, single submitter. Criteria: CeGaT Center For Human Genetics Tuebingen Variant Classification Criteria Version 2. Collection method: clinical testing. Allele origin: germline. Affected: yes. Observed: 1 variant allele.
Comment: SLX4: PM2, BP4

Labcorp Genetics (formerly Invitae), Labcorp
Classification: Uncertain significance for Fanconi anemia. Last evaluated: 2024-05-20. Review status: criteria provided, single submitter. Criteria: Invitae Variant Classification Sherloc (09022015). Collection method: clinical testing. Allele origin: germline.
Comment: This sequence change replaces valine, which is neutral and non-polar, with leucine, which is neutral and non-polar, at codon 1284 of the SLX4 protein (p.Val1284Leu). This variant is present in population databases (no rsID available, gnomAD 0.0009%). This variant has not been reported in the literature in individuals affected with SLX4-related conditions. ClinVar contains an entry for this variant (Variation ID: 1448266). An algorithm developed to predict the effect of missense changes on protein structure and function (PolyPhen-2) suggests that this variant is likely to be tolerated. In summary, the available evidence is currently insufficient to determine the role of this variant in disease. Therefore, it has been classified as a Variant of Uncertain Significance.

Laboratorio de Genetica e Diagnostico Molecular, Hospital Israelita Albert Einstein
Classification: Uncertain significance for Fanconi anemia complementation group P. Last evaluated: 2023-01-13. Review status: criteria provided, single submitter. Criteria: ACMG Guidelines, 2015. Collection method: clinical testing. Allele origin: germline. Affected: yes.
Comment: ACMG classification criteria: PM2 moderated, BP4 supporting